The following is an entry in ClinVar:

NM_007194.4(CHEK2):c.1160C>G (p.Thr387Ser)

Gene: CHEK2 (checkpoint kinase 2; minus strand). Cytogenetic location: 22q12.1.
Variant type: single nucleotide variant.
Coding change: c.1160C>G on transcript NM_007194.4 (MANE Select); coding-DNA position 1160, C replaced by G.
Protein change: p.Thr387Ser; replaces threonine 387 with serine.
Molecular consequence: missense variant.
Genome position (GRCh38, 1-based): chr22:28,695,809, G>C on the plus strand (C>G on the coding strand, the complement: CHEK2 is on the minus strand). VCF-style: chr22-28695809-G-C. GRCh37 (hg19) VCF-style: chr22-29091797-G-C.
Other names: c.1289C>G, p.Thr430Ser (NM_001005735.3); c.497C>G, p.Thr166Ser (NM_001257387.3); c.959C>G, p.Thr320Ser (NM_001349956.3); c.1073C>G, p.Thr358Ser (NM_145862.3); short protein forms T387S, T320S, T166S, T358S, T430S.
Identifiers: ClinVar variation 230220 (VCV000230220.19), dbSNP rs587780168, ClinGen allele CA10581049.

ClinVar aggregate classification (germline): Uncertain significance. Review status: criteria provided, multiple submitters, no conflicts (2 of 4 stars). 5 submissions from 5 submitters: Uncertain significance (4). 1 of the submissions does not count toward it. Last evaluated 2025-08-06.

Conditions:
CHEK2-related disorder.
Hereditary cancer-predisposing syndrome. Also called: Hereditary neoplastic syndrome; Hereditary Cancer Syndrome; Neoplastic Syndromes, Hereditary; Tumor predisposition. Identifiers: Orphanet 140162, MedGen C0027672, MeSH D009386, MONDO:0015356.
Familial cancer of breast. Also called: Hereditary breast cancer; BREAST CANCER, FAMILIAL; hereditary breast carcinoma. Identifiers: Orphanet 227535, MedGen C0346153, MONDO:0016419, OMIM 114480. Disease mechanism: loss of function.

Allele frequency attached by ClinVar (database versions not stated): gnomAD 0.00001.
gnomAD v4.1: 1 of 1,613,644 alleles (0.000062%); highest among the groups gnomAD compares: Non-Finnish European, 0.000085%; no homozygotes.

Submissions (5):

Labcorp Genetics (formerly Invitae), Labcorp
Classification: Uncertain significance for Familial cancer of breast. Last evaluated: 2025-08-06. Review status: criteria provided, single submitter. Criteria: Invitae Variant Classification Sherloc (09022015). Collection method: clinical testing. Allele origin: germline.
Comment: This sequence change replaces threonine, which is neutral and polar, with serine, which is neutral and polar, at codon 387 of the CHEK2 protein (p.Thr387Ser). This variant is present in population databases (no rsID available, gnomAD 0.007%). This missense change has been observed in individual(s) with colorectal cancer or breast cancer (PMID: 28135145, 30851065). ClinVar contains an entry for this variant (Variation ID: 230220). An algorithm developed to predict the effect of missense changes on protein structure and function (PolyPhen-2) suggests that this variant is likely to be disruptive. Experimental studies have shown that this missense change affects CHEK2 function (PMID: 30851065). In summary, the available evidence is currently insufficient to determine the role of this variant in disease. Therefore, it has been classified as a Variant of Uncertain Significance.

Ambry Genetics
Classification: Uncertain significance for Hereditary cancer-predisposing syndrome. Last evaluated: 2025-01-16. Review status: criteria provided, single submitter. Criteria: Ambry Variant Classification Scheme 2023. Collection method: clinical testing. Allele origin: germline.
Comment: The p.T387S variant (also known as c.1160C>G), located in coding exon 10 of the CHEK2 gene, results from a C to G substitution at nucleotide position 1160. The threonine at codon 387 is replaced by serine, an amino acid with similar properties. This alteration behaved as non-functional in an in vivo, yeast-based growth rate assay (Delimitsou A et al. Hum Mutat, 2019 05;40:631-648). This variant was reported as functionally impaired in a study assessing CHEK2-complementation through quantification of KAP1 phosphorylation and CHK2 autophosphorylation in human RPE1-CHEK2-knockout cells (Stolarova L et al. Clin Cancer Res, 2023 Aug;29:3037-3050). This variant has been reported in an individual affected with colorectal cancer (Yurgelun MB et al. J Clin Oncol, 2017 Apr;35:1086-1095). This alteration was identified in 2 of 52 Greek breast cancer patients who are CHEK2 carriers (Apostolou P et al. Cancers (Basel), 2021 Apr;13:). This amino acid position is highly conserved in available vertebrate species. In addition, this alteration is predicted to be deleterious by in silico analysis. Since supporting evidence is limited at this time, the clinical significance of this alteration remains unclear.

GeneDx
Classification: Uncertain significance. Last evaluated: 2022-11-23. Review status: criteria provided, single submitter. Criteria: GeneDx Variant Classification Process June 2021. Collection method: clinical testing. Allele origin: germline. Affected: yes.
Comment: Not observed at significant frequency in large population cohorts (gnomAD); In silico analysis supports that this missense variant has a deleterious effect on protein structure/function; Observed in individuals with breast or colorectal cancer (Yurgelun et al., 2017; Apostolou et al., 2021); Published functional studies demonstrate a damaging effect: defective growth activity (Delimitsou et al., 2019); This variant is associated with the following publications: (PMID: 28135145, 33925588, 16941491, 22419737, 19782031, 31398194, 30851065)

Color Diagnostics, LLC DBA Color Health
Classification: Uncertain significance for Hereditary cancer-predisposing syndrome. Last evaluated: 2019-11-15. Review status: criteria provided, single submitter. Criteria: ACMG Guidelines, 2015. Collection method: clinical testing. Allele origin: germline.
Comment: This missense variant replaces threonine with serine at codon 387 of the CHEK2 protein. Computational prediction is inconclusive regarding the impact of this variant on protein structure and function (internally defined REVEL score threshold 0.5 < inconclusive < 0.7, PMID: 27666373). Splice site prediction tools suggest that this variant may not impact RNA splicing. Functional study has shown that this variant is defective in the complementation assay for growth after DNA damage (PMID 30851065). This variant has been reported in 1 individual affected with breast cancer (PMID 30851065). This variant has been identified in 1/31410 chromosomes in the general population by the Genome Aggregation Database (gnomAD). The available evidence is insufficient to determine the role of this variant in disease conclusively. Therefore, this variant is classified as a Variant of Uncertain Significance.

PreventionGenetics, part of Exact Sciences
Classification: Uncertain significance for CHEK2-related condition. Last evaluated: 2024-08-06. Review status: no assertion criteria provided. Collection method: clinical testing. Allele origin: germline. Not counted in ClinVar's aggregate classification.
Comment: The CHEK2 c.1160C>G variant is predicted to result in the amino acid substitution p.Thr387Ser. This variant was reported as a variant of uncertain significance in an individual with colorectal cancer (Table A4, Yurgelun et al 2017. PubMed ID: 28135145). Experimental studies have shown that this missense change is damaging and affects CHEK2 function (Delimitsou A et al 2019. PubMed ID: 30851065). This variant is reported in 0.0065% of alleles in individuals of European (Non-Finnish) descent in gnomAD and is interpreted as uncertain in ClinVar. At this time, the clinical significance of this variant is uncertain due to the absence of conclusive functional and genetic evidence.

Literature cited by the submitters: PubMed 28135145 (cited by Labcorp Genetics (formerly Invitae), Labcorp and Ambry Genetics); PubMed 30851065 (cited by Labcorp Genetics (formerly Invitae), Labcorp and Ambry Genetics); PubMed 33925588 (cited by Ambry Genetics); PubMed 37449874 (cited by Ambry Genetics).